The following is an entry in ClinVar:

NM_007059.4(KPTN):c.652G>C (p.Ala218Pro)

Gene: KPTN (kaptin, actin binding protein; minus strand). Cytogenetic location: 19q13.32.
Variant type: single nucleotide variant.
Coding change: c.652G>C on transcript NM_007059.4 (MANE Select); coding-DNA position 652, G replaced by C.
Protein change: p.Ala218Pro; replaces alanine 218 with proline.
Molecular consequence: missense variant. On other transcripts: non-coding transcript variant (1).
Genome position (GRCh38, 1-based): chr19:47,480,355, C>G on the plus strand (G>C on the coding strand, the complement: KPTN is on the minus strand). VCF-style: chr19-47480355-C-G. GRCh37 (hg19) VCF-style: chr19-47983612-C-G.
Other names: c.484G>C, p.Ala162Pro (NM_001291296.2); short protein forms A162P, A218P.
Identifiers: ClinVar variation 4082793 (VCV004082793.1).

ClinVar aggregate classification (germline): Uncertain significance (1 of 4 stars; one submission).

gnomAD v4.1: 1 of 1,549,764 alleles (0.000065%); highest among the groups gnomAD compares: Admixed American, 0.002%; no homozygotes.

Submission:

GeneDx
Classification: Uncertain significance. Last evaluated: 2025-03-06. Review status: criteria provided, single submitter. Criteria: GeneDx Variant Classification Process June 2021. Collection method: clinical testing. Allele origin: germline. Affected: yes.
Comment: Not observed at significant frequency in large population cohorts (gnomAD); In silico analysis supports that this missense variant has a deleterious effect on protein structure/function; Has not been previously published as pathogenic or benign to our knowledge